The following is an entry in ClinVar:

ClinVar aggregate classification (germline): Uncertain significance (1 of 4 stars; one submission).

Submission:

CeGaT Center for Human Genetics Tuebingen
Classification: Uncertain significance. Last evaluated: 2024-08-01. Review status: criteria provided, single submitter. Criteria: CeGaT Center For Human Genetics Tuebingen Variant Classification Criteria Version 2. Collection method: clinical testing. Allele origin: germline. Affected: yes. Observed: 1 variant allele.
Comment: PMP2: PM2

NM_002677.5(PMP2):c.74G>C (p.Gly25Ala)

Gene: PMP2 (peripheral myelin protein 2; minus strand). Cytogenetic location: 8q21.13.
Variant type: single nucleotide variant.
Coding change: c.74G>C on transcript NM_002677.5 (MANE Select); coding-DNA position 74, G replaced by C.
Protein change: p.Gly25Ala; replaces glycine 25 with alanine.
Molecular consequence: missense variant. On other transcripts: intron variant (1).
Genome position (GRCh38, 1-based): chr8:81,444,989, C>G on the plus strand (G>C on the coding strand, the complement: PMP2 is on the minus strand). VCF-style: chr8-81444989-C-G. GRCh37 (hg19) VCF-style: chr8-82357224-C-G.
Other names: c.74-388G>C (NM_001348381.2); short protein forms G25A.
Identifiers: ClinVar variation 3342075 (VCV003342075.16).